The following is an entry in ClinVar:

ClinVar aggregate classification (germline): Pathogenic (1 of 4 stars; one submission).

Conditions:
Primary ciliary dyskinesia 3. Identifiers: Orphanet 244, MedGen C1837618, MONDO:0012085, OMIM 608644.

Submission:

Myriad Genetics, Inc.
Classification: Pathogenic for Primary ciliary dyskinesia 3. Last evaluated: 2023-09-27. Review status: criteria provided, single submitter. Criteria: Myriad Autosomal Dominant, Autosomal Recessive and X-Linked Classification Criteria (2023). Collection method: clinical testing. Allele origin: unknown.
Comment: NM_001369.2(DNAH5):c.6234dupG(L2079Afs*17) is expected to be pathogenic in the context of primary ciliary dyskinesia, DNAH5-related. This variant is predicted to lead to an abnormal or absent protein product due to the creation of a premature termination codon in DNAH5, a gene where loss-of-function variants are known to be pathogenic. Please note: this variant was assessed in the context of healthy population screening.

NM_001369.3(DNAH5):c.6234dup (p.Leu2079fs)

Gene: DNAH5 (dynein axonemal heavy chain 5; minus strand). Cytogenetic location: 5p15.2.
Variant type: Duplication.
Coding change: c.6234dup on transcript NM_001369.3 (MANE Select); coding-DNA position 6234, one base duplicated (G; older notation c.6234dupG).
Protein change: p.Leu2079fs; shifts the reading frame from leucine 2079.
Molecular consequence: frameshift variant.
Genome position (GRCh38, 1-based): chr5:13,830,041, C duplicated on the plus strand (G on the coding strand, the reverse complement: DNAH5 is on the minus strand); the first of 3 consecutive C bases (chr5:13,830,041-13,830,043); duplicating any one gives the same sequence. VCF-style (leftmost placement, unchanged base first): chr5-13830040-G-GC. GRCh37 (hg19) VCF-style: chr5-13830149-G-GC.
Other names: short protein forms L2079fs.
Identifiers: ClinVar variation 5012108 (VCV005012108.1).